The following is an entry in ClinVar:

NM_004655.4(AXIN2):c.2521C>T (p.Arg841Trp)

Gene: AXIN2 (axin 2; minus strand). Cytogenetic location: 17q24.1.
Variant type: single nucleotide variant.
Coding change: c.2521C>T on transcript NM_004655.4 (MANE Select); coding-DNA position 2521, C replaced by T.
Protein change: p.Arg841Trp; replaces arginine 841 with tryptophan.
Molecular consequence: missense variant.
Genome position (GRCh38, 1-based): chr17:65,529,987, G>A on the plus strand (C>T on the coding strand, the complement: AXIN2 is on the minus strand). VCF-style: chr17-65529987-G-A. GRCh37 (hg19) VCF-style: chr17-63526105-G-A.
Other names: p.R841W:CGG>TGG; c.2521C>T (LRG_296t1); c.2326C>T, p.Arg776Trp (NM_001363813.1); short protein forms R841W, R776W.
Identifiers: ClinVar variation 127946 (VCV000127946.22), dbSNP rs527766429, ClinGen allele CA288113.

ClinVar aggregate classification (germline): Conflicting classifications of pathogenicity. Review status: criteria provided, conflicting classifications (1 of 4 stars). 7 submissions from 7 submitters: Uncertain significance (5); Likely benign (1). 1 of the submissions does not count toward it. Last evaluated 2026-01-06.

Conditions:
AXIN2-related disorder.
Colorectal cancer. Also called: Colorectal cancer, somatic; Malignant Colorectal Neoplasm. Identifiers: MedGen C0346629, MONDO:0005575, OMIM 114500.
Hereditary cancer-predisposing syndrome. Also called: Hereditary neoplastic syndrome; Neoplastic Syndromes, Hereditary; Hereditary Cancer Syndrome; Tumor predisposition. Identifiers: Orphanet 140162, MedGen C0027672, MeSH D009386, MONDO:0015356.
Oligodontia-cancer predisposition syndrome. Also called: TOOTH AGENESIS-COLORECTAL CANCER SYNDROME. Identifiers: Orphanet 300576, MedGen C1837750, MONDO:0012075, OMIM 608615. Disease mechanism: loss of function.

Allele frequency attached by ClinVar (database versions not stated): gnomAD 0.00001 and 0.00002; ExAC 0.00002; gnomAD exomes 0.00002; TOPMed 0.00002; 1000 Genomes Project 30x 0.00016; 1000 Genomes Project 0.00020.
gnomAD v4.1: 44 of 1,614,104 alleles (0.0027%); highest among the groups gnomAD compares: South Asian, 0.0088%; no homozygotes.

Submissions (7):

Labcorp Genetics (formerly Invitae), Labcorp
Classification: Uncertain significance for Oligodontia-cancer predisposition syndrome. Last evaluated: 2026-01-06. Review status: criteria provided, single submitter. Criteria: Invitae Variant Classification Sherloc (09022015). Collection method: clinical testing. Allele origin: germline.
Comment: This sequence change replaces arginine, which is basic and polar, with tryptophan, which is neutral and slightly polar, at codon 841 of the AXIN2 protein (p.Arg841Trp). This variant is present in population databases (rs527766429, gnomAD 0.01%). This variant has not been reported in the literature in individuals affected with AXIN2-related conditions. ClinVar contains an entry for this variant (Variation ID: 127946). Invitae Evidence Modeling of protein sequence and biophysical properties (such as structural, functional, and spatial information, amino acid conservation, physicochemical variation, residue mobility, and thermodynamic stability) indicates that this missense variant is expected to disrupt AXIN2 protein function with a positive predictive value of 80%. In summary, the available evidence is currently insufficient to determine the role of this variant in disease. Therefore, it has been classified as a Variant of Uncertain Significance.

Quest Diagnostics Nichols Institute San Juan Capistrano
Classification: Uncertain significance. Last evaluated: 2025-09-08. Review status: criteria provided, single submitter. Criteria: Quest Diagnostics criteria. Collection method: clinical testing. Allele origin: unknown.
Comment: The AXIN2 c.2521C>T (p.Arg841Trp) variant has not been reported in individuals with AXIN2-related conditions in the published literature. The frequency of this variant in the general population (Genome Aggregation Database) is higher than would generally be expected for pathogenic variants in this gene. Analysis of this variant using bioinformatics tools for the prediction of the effect of amino acid changes on protein structure and function yielded conflicting predictions that this variant is benign or damaging. Based on the available information, we are unable to determine the clinical significance of this variant.

Ambry Genetics
Classification: Likely benign for Hereditary cancer-predisposing syndrome. Last evaluated: 2025-01-07. Review status: criteria provided, single submitter. Criteria: Ambry Variant Classification Scheme 2023. Collection method: clinical testing. Allele origin: germline.

GeneDx
Classification: Uncertain significance. Last evaluated: 2024-08-28. Review status: criteria provided, single submitter. Criteria: GeneDx Variant Classification Process June 2021. Collection method: clinical testing. Allele origin: germline. Affected: yes.
Comment: In silico analysis supports that this missense variant has a deleterious effect on protein structure/function; Has not been previously published as pathogenic or benign to our knowledge; This variant is associated with the following publications: (PMID: 15735151)

Baylor Genetics
Classification: Uncertain significance for Colorectal cancer. Last evaluated: 2023-10-13. Review status: criteria provided, single submitter. Criteria: ACMG Guidelines, 2015. Collection method: clinical testing. Allele origin: unknown.

Sema4
Classification: Uncertain significance for Hereditary cancer-predisposing syndrome. Last evaluated: 2022-02-21. Review status: criteria provided, single submitter. Criteria: Sema4 Curation Guidelines. Collection method: curation. Allele origin: germline.
Comment: The AXIN2 c.2521C>T (p.R841W) variant has not been reported in the individuals with AXIN2-related disease. It was observed in 4/30616 chromosomes in the South Asian population according to the Genome Aggregation Database (PMID: 32461654). This variant has been reported in ClinVar (Variation ID: 127946). Functional studies have not been performed, and in silico predictions of the variant's effect on protein function are inconclusive. There is no indication that this variant causes disease, but the evidence is insufficient currently to prove that conclusively. Thus, the clinical significance of this variant is currently uncertain.

PreventionGenetics, part of Exact Sciences
Classification: Uncertain significance for AXIN2-related condition. Last evaluated: 2023-12-14. Review status: no assertion criteria provided. Collection method: clinical testing. Allele origin: germline. Not counted in ClinVar's aggregate classification.
Comment: The AXIN2 c.2521C>T variant is predicted to result in the amino acid substitution p.Arg841Trp. To our knowledge, this variant has not been reported in the literature. This variant is reported in 0.013% of alleles in individuals of South Asian descent in gnomAD and has been interpreted as uncertain in ClinVar. At this time, the clinical significance of this variant is uncertain due to the absence of conclusive functional and genetic evidence.